The following is an entry in ClinVar:

NM_002354.3(EPCAM):c.725T>A (p.Leu242Gln)

Gene: EPCAM (epithelial cell adhesion molecule; plus strand). Cytogenetic location: 2p21.
Variant type: single nucleotide variant.
Coding change: c.725T>A on transcript NM_002354.3 (MANE Select); coding-DNA position 725, T replaced by A.
Protein change: p.Leu242Gln; replaces leucine 242 with glutamine.
Molecular consequence: missense variant.
Genome position (GRCh38, 1-based): chr2:47,379,836, T>A. VCF-style: chr2-47379836-T-A. GRCh37 (hg19) VCF-style: chr2-47606975-T-A.
Other names: short protein forms L242Q.
Identifiers: ClinVar variation 4870519 (VCV004870519.1).

ClinVar aggregate classification (germline): Uncertain significance (1 of 4 stars; one submission).

Conditions:
Hereditary cancer-predisposing syndrome. Also called: Neoplastic Syndromes, Hereditary; Tumor predisposition; Hereditary Cancer Syndrome; Hereditary neoplastic syndrome. Identifiers: Orphanet 140162, MedGen C0027672, MeSH D009386, MONDO:0015356.

Submission:

Ambry Genetics
Classification: Uncertain significance for Hereditary cancer-predisposing syndrome. Last evaluated: 2026-04-04. Review status: criteria provided, single submitter. Criteria: Ambry Variant Classification Scheme 2023. Collection method: clinical testing. Allele origin: germline.
Comment: The p.L242Q variant (also known as c.725T>A), located in coding exon 7 of the EPCAM gene, results from a T to A substitution at nucleotide position 725. The leucine at codon 242 is replaced by glutamine, an amino acid with dissimilar properties. This amino acid position is conserved. In addition, this alteration is predicted to be deleterious by in silico analysis. Based on the available evidence, the clinical significance of this variant remains unclear.